The following is an entry in ClinVar:

NC_000023.11:g.(?_32809483)_(32844870_?)del

Gene: DMD (dystrophin; minus strand). Cytogenetic location: Xp21.1.
Variant type: Deletion.
Identifiers: ClinVar variation 833120 (VCV000833120.9).

ClinVar aggregate classification (germline): Pathogenic (1 of 4 stars; one submission).

Conditions:
Duchenne muscular dystrophy (DMD). Also called: Duchenne Muscular Dystrophy (DMD); MUSCULAR DYSTROPHY, PSEUDOHYPERTROPHIC PROGRESSIVE, DUCHENNE TYPE. Identifiers: Orphanet 98896, MedGen C0013264, MONDO:0010679, OMIM 310200.

Submission:

Labcorp Genetics (formerly Invitae), Labcorp
Classification: Pathogenic for Duchenne muscular dystrophy. Last evaluated: 2022-07-06. Review status: criteria provided, single submitter. Criteria: Invitae Variant Classification Sherloc (09022015). Collection method: clinical testing. Allele origin: germline.
Comment: For these reasons, this variant has been classified as Pathogenic. A similar copy number variant has been observed in individuals with Duchenne or Becker muscular dystrophy (PMID: 17854090; Invitae). This variant is a gross deletion of the genomic region encompassing exon(s) 4-7 of the DMD gene. This deletion is out-of-frame, and is expected to create a premature termination codon and result in an absent or disrupted protein product. Loss-of-function variants in DMD are known to be pathogenic (PMID: 16770791, 25007885).

Literature cited by the submitters: PubMed 17854090; PubMed 16770791; PubMed 25007885.